The following is an entry in ClinVar:

NM_001048174.2(MUTYH):c.279G>T (p.Met93Ile)

Gene: MUTYH (mutY DNA glycosylase; minus strand). Cytogenetic location: 1p34.1.
Variant type: single nucleotide variant.
Coding change: c.279G>T on transcript NM_001048174.2 (MANE Select); coding-DNA position 279, G replaced by T.
Protein change: p.Met93Ile; replaces methionine 93 with isoleucine.
Molecular consequence: missense variant. On other transcripts: non-coding transcript variant (7), initiator codon variant (3).
Genome position (GRCh38, 1-based): chr1:45,333,310, C>A on the plus strand (G>T on the coding strand, the complement: MUTYH is on the minus strand). VCF-style: chr1-45333310-C-A. GRCh37 (hg19) VCF-style: chr1-45798982-C-A.
Other names: c.279G>T, p.Met93Ile (NM_001407089.1, NM_001048171.2, NM_001048173.2 and 6 more transcripts); c.3G>T, p.Met1Ile (NM_001407091.1, NM_001293192.2, NM_001293196.2); c.354G>T, p.Met118Ile (NM_012222.3, NM_001407069.1); c.282G>T, p.Met94Ile (NM_001048172.2, NM_001407071.1, NM_001407078.1 and 2 more transcripts); c.363G>T, p.Met121Ile (NM_001128425.2); c.324G>T, p.Met108Ile (NM_001293190.2); c.312G>T, p.Met104Ile (NM_001293191.2, NM_001407077.1); c.8G>T, p.Trp3Leu (NM_001350650.2, NM_001350651.2, NM_001407082.1); and 3 more; short protein forms M100I, M104I, M1I, M93I, M65I, W3L, M107I, M108I.
Identifiers: ClinVar variation 4113632 (VCV004113632.1).
Genomic context (GRCh38, chr1:45,333,310, plus strand): 5'-GGCAAAGTGGCCCTGCTCTCAGGAGATGTACTGACCAGCATATGCCCGCCTGTCCAGGTC[C>A]ATCTCATCTTCTGCCTGTCAATGCAACCCCAGATGAGGAGTTAGGGTGGAGGGGGCTGGG-3'
Protein context (NP_001041639.1, residues 83-103): LPWRRRAEDE[Met93Ile]DLDRRAYAVW

ClinVar aggregate classification (germline): Uncertain significance (1 of 4 stars; one submission).

Conditions:
Hereditary cancer-predisposing syndrome. Also called: Hereditary neoplastic syndrome; Neoplastic Syndromes, Hereditary; Tumor predisposition; Hereditary Cancer Syndrome. Identifiers: Orphanet 140162, MedGen C0027672, MeSH D009386, MONDO:0015356.

Submission:

Ambry Genetics
Classification: Uncertain significance for Hereditary cancer-predisposing syndrome. Last evaluated: 2025-08-27. Review status: criteria provided, single submitter. Criteria: Ambry Variant Classification Scheme 2023. Collection method: clinical testing. Allele origin: germline.
Comment: The p.M121I variant (also known as c.363G>T), located in coding exon 4 of the MUTYH gene, results from a G to T substitution at nucleotide position 363. The methionine at codon 121 is replaced by isoleucine, an amino acid with highly similar properties. This amino acid position is conserved. In addition, this alteration is predicted to be tolerated by in silico analysis. Based on the available evidence, the clinical significance of this variant remains unclear.